The following is an entry in ClinVar:

ClinVar aggregate classification (germline): Pathogenic. Review status: criteria provided, multiple submitters, no conflicts (2 of 4 stars). 3 submissions from 3 submitters: Pathogenic (3). Last evaluated 2021-07-24.

Conditions:
Hereditary cancer-predisposing syndrome. Also called: Tumor predisposition; Hereditary Cancer Syndrome; Hereditary neoplastic syndrome; Neoplastic Syndromes, Hereditary. Identifiers: Orphanet 140162, MedGen C0027672, MeSH D009386, MONDO:0015356.
Familial adenomatous polyposis 2. Also called: MUTYH Polyposis; COLORECTAL ADENOMATOUS POLYPOSIS, AUTOSOMAL RECESSIVE; ADENOMAS, MULTIPLE COLORECTAL, AUTOSOMAL RECESSIVE; MUTYH-related attenuated familial adenomatous polyposis; FAP type 2; MUTYH-associated polyposis. Identifiers: Orphanet 220460, Orphanet 247798, MedGen C3272841, MONDO:0012041, OMIM 608456.

Allele frequency attached by ClinVar (database versions not stated): TOPMed below 0.00001; gnomAD 0.00001.
gnomAD v4.1: 1 of 1,614,090 alleles (0.000062%); highest among the groups gnomAD compares: Non-Finnish European, 0.000085%; no homozygotes.

Submissions (3):

Labcorp Genetics (formerly Invitae), Labcorp
Classification: Pathogenic for Familial adenomatous polyposis 2. Last evaluated: 2021-07-24. Review status: criteria provided, single submitter. Criteria: Invitae Variant Classification Sherloc (09022015). Collection method: clinical testing. Allele origin: germline.
Comment: This sequence change creates a premature translational stop signal (p.Trp174*) in the MUTYH gene. It is expected to result in an absent or disrupted protein product. For these reasons, this variant has been classified as Pathogenic. Loss-of-function variants in MUTYH are known to be pathogenic (PMID: 18534194, 20663686). Algorithms developed to predict the effect of sequence changes on RNA splicing suggest that this variant may create or strengthen a splice site, but this prediction has not been confirmed by published transcriptional studies. This variant has been observed in individuals affected with clinical features of MUTYH-associated polyposis. In these individuals, a second pathogenic variant in the MUTYH gene was also reported (PMID: 16890597, 18091433). This variant is also known as W160X in the literature. This variant is not present in population databases (ExAC no frequency).

Quest Diagnostics Nichols Institute San Juan Capistrano
Classification: Pathogenic. Last evaluated: 2019-04-01. Review status: criteria provided, single submitter. Criteria: Quest Diagnostics criteria. Collection method: clinical testing. Allele origin: germline.
Comment: The variant creates a premature nonsense codon, and is therefore predicted to result in the loss of a functional protein. Found in at least one symptomatic patient, and not found in general population data. Occurs in multiple cases with a recessive pathogenic variant in the same gene.

Ambry Genetics
Classification: Pathogenic for Hereditary cancer-predisposing syndrome. Last evaluated: 2015-11-11. Review status: criteria provided, single submitter. Criteria: Ambry Variant Classification Scheme 2023. Collection method: clinical testing. Allele origin: germline.
Comment: The p.W174* pathogenic mutation (also known as c.521G>A), located in coding exon 7 of the MUTYH gene, results from a G to A substitution at nucleotide position 521. This changes the amino acid from a tryptophan to a stop codon within coding exon 7. In addition to the clinical data presented in the literature, since premature stop codons are typically deleterious in nature, this alteration is interpreted as a disease-causing mutation (ACMG Recommendations for Standards for Interpretation and Reporting of Sequence Variations. Revision 2007. Genet Med. 2008;10:294).

Literature cited by the submitters: PubMed 18534194 (cited by Labcorp Genetics (formerly Invitae), Labcorp); PubMed 20663686 (cited by Labcorp Genetics (formerly Invitae), Labcorp); PubMed 16890597 (cited by Labcorp Genetics (formerly Invitae), Labcorp and Ambry Genetics); PubMed 18091433 (cited by 3 submitters); PubMed 26138249 (cited by Quest Diagnostics Nichols Institute San Juan Capistrano).

NM_001048174.2(MUTYH):c.437G>A (p.Trp146Ter)

Gene: MUTYH (mutY DNA glycosylase; minus strand). Cytogenetic location: 1p34.1.
Variant type: single nucleotide variant.
Coding change: c.437G>A on transcript NM_001048174.2 (MANE Select); coding-DNA position 437, G replaced by A.
Protein change: p.Trp146Ter; replaces tryptophan 146 with a stop codon.
Molecular consequence: nonsense. On other transcripts: non-coding transcript variant (2).
Genome position (GRCh38, 1-based): chr1:45,332,818, C>T on the plus strand (G>A on the coding strand, the complement: MUTYH is on the minus strand). VCF-style: chr1-45332818-C-T. GRCh37 (hg19) VCF-style: chr1-45798490-C-T.
Other names: c.437G>A, p.Trp146Ter (NM_001048171.2, NM_001048173.2, NM_001293195.2); c.440G>A, p.Trp147Ter (NM_001048172.2); c.521G>A, p.Trp174Ter (NM_001128425.2); c.482G>A, p.Trp161Ter (NM_001293190.2); c.470G>A, p.Trp157Ter (NM_001293191.2); c.161G>A, p.Trp54Ter (NM_001293192.2, NM_001293196.2); c.92G>A, p.Trp31Ter (NM_001350650.2, NM_001350651.2); c.512G>A, p.Trp171Ter (NM_012222.3); short protein forms W171*, W146*, W157*, W174*, W54*, W161*, W147*, W31*.
Identifiers: ClinVar variation 801228 (VCV000801228.15), dbSNP rs1306473047, ClinGen allele CA340135796.